The following is an entry in ClinVar:

NM_000038.6(APC):c.8097T>G (p.Asp2699Glu)

Gene: APC (APC regulator of Wnt signaling pathway; plus strand). Cytogenetic location: 5q22.2.
Variant type: single nucleotide variant.
Coding change: c.8097T>G on transcript NM_000038.6 (MANE Select); coding-DNA position 8097, T replaced by G.
Protein change: p.Asp2699Glu; replaces aspartic acid 2699 with glutamic acid.
Molecular consequence: missense variant.
Genome position (GRCh38, 1-based): chr5:112,843,691, T>G. VCF-style: chr5-112843691-T-G. GRCh37 (hg19) VCF-style: chr5-112179388-T-G.
Other names: c.8097T>G, p.Asp2699Glu (NM_001127510.3, NM_001354895.2); c.8043T>G, p.Asp2681Glu (NM_001127511.3); c.8151T>G, p.Asp2717Glu (NM_001354896.2); c.8127T>G, p.Asp2709Glu (NM_001354897.2); c.8022T>G, p.Asp2674Glu (NM_001354898.2); c.8013T>G, p.Asp2671Glu (NM_001354899.2); c.7974T>G, p.Asp2658Glu (NM_001354900.2); c.7920T>G, p.Asp2640Glu (NM_001354901.2); and 5 more; short protein forms D2416E, D2717E, D2608E, D2681E, D2709E, D2539E, D2658E, D2671E.
Identifiers: ClinVar variation 656177 (VCV000656177.14), dbSNP rs1580689982, ClinGen allele CA16038915.

ClinVar aggregate classification (germline): Uncertain significance. Review status: criteria provided, multiple submitters, no conflicts (2 of 4 stars). 3 submissions from 3 submitters: Uncertain significance (3). Last evaluated 2025-01-19.

Conditions:
Classic or attenuated familial adenomatous polyposis. Identifiers: MedGen CN372698, MONDO:0021057.
Hereditary cancer-predisposing syndrome. Also called: Hereditary neoplastic syndrome; Tumor predisposition; Neoplastic Syndromes, Hereditary; Hereditary Cancer Syndrome. Identifiers: Orphanet 140162, MedGen C0027672, MeSH D009386, MONDO:0015356.
Familial adenomatous polyposis 1 (FAP1). Also called: FAMILIAL ADENOMATOUS POLYPOSIS 1, ATTENUATED; POLYPOSIS, ADENOMATOUS INTESTINAL. Identifiers: MedGen C2713442, MONDO:0021056, OMIM 175100. Disease mechanism: loss of function.

Allele frequency attached by ClinVar (database versions not stated): gnomAD 0.00001.
gnomAD v4.1: 1 of 1,613,918 alleles (0.000062%); highest among the groups gnomAD compares: African/African-American, 0.0013%; no homozygotes.

Submissions (3):

Ambry Genetics
Classification: Uncertain significance for Hereditary cancer-predisposing syndrome. Last evaluated: 2025-01-19. Review status: criteria provided, single submitter. Criteria: Ambry Variant Classification Scheme 2023. Collection method: clinical testing. Allele origin: germline.
Comment: The p.D2699E variant (also known as c.8097T>G), located in coding exon 15 of the APC gene, results from a T to G substitution at nucleotide position 8097. The aspartic acid at codon 2699 is replaced by glutamic acid, an amino acid with highly similar properties. This amino acid position is not well conserved in available vertebrate species. In addition, in silico predictors for this gene do not accurately predict pathogenicity. Missense alterations in APC are not a common cause of disease (Spier I et al. Genet Med. 2024 Feb;26(2):100992). Based on the available evidence, the clinical significance of this variant remains unclear.

Labcorp Genetics (formerly Invitae), Labcorp
Classification: Uncertain significance for Familial adenomatous polyposis 1. Last evaluated: 2024-03-01. Review status: criteria provided, single submitter. Criteria: Invitae Variant Classification Sherloc (09022015). Collection method: clinical testing. Allele origin: germline.
Comment: This sequence change replaces aspartic acid, which is acidic and polar, with glutamic acid, which is acidic and polar, at codon 2699 of the APC protein (p.Asp2699Glu). This variant is not present in population databases (gnomAD no frequency). This variant has not been reported in the literature in individuals affected with APC-related conditions. ClinVar contains an entry for this variant (Variation ID: 656177). Advanced modeling of protein sequence and biophysical properties (such as structural, functional, and spatial information, amino acid conservation, physicochemical variation, residue mobility, and thermodynamic stability) performed at Invitae indicates that this missense variant is not expected to disrupt APC protein function with a negative predictive value of 95%. In summary, the available evidence is currently insufficient to determine the role of this variant in disease. Therefore, it has been classified as a Variant of Uncertain Significance.

All of Us Research Program, National Institutes of Health
Classification: Uncertain significance for Classic or attenuated familial adenomatous polyposis. Last evaluated: 2023-05-16. Review status: criteria provided, single submitter. Criteria: ACMG Guidelines, 2015. Collection method: clinical testing. Allele origin: germline. Inheritance: Autosomal dominant inheritance. Observed: 1 variant allele, 1 heterozygote.
Comment: This missense variant replaces aspartic acid with glutamic acid at codon 2699 of the APC protein. Computational prediction suggests that this variant may not impact protein structure and function (internally defined REVEL score threshold <= 0.5, PMID: 27666373). To our knowledge, functional studies have not been reported for this variant. This variant has not been reported in individuals affected with APC-related disorders in the literature. This variant has not been identified in the general population by the Genome Aggregation Database (gnomAD). The available evidence is insufficient to determine the role of this variant in disease conclusively. Therefore, this variant is classified as a Variant of Uncertain Significance.

This study involves interpretation of variants in research participants for the purpose of population health screening. Participant phenotype was not available at the time of variant classification. Additional details can be found in publication PMID: 35346344, PMCID: PMC8962531